The following is an entry in ClinVar:

ClinVar aggregate classification (germline): Uncertain significance (1 of 4 stars; one submission).

gnomAD v4.1: 2 of 1,548,828 alleles (0.00013%); highest among the groups gnomAD compares: South Asian, 0.0012%; no homozygotes.

Submission:

Ambry Genetics
Classification: Uncertain significance. Last evaluated: 2025-02-15. Review status: criteria provided, single submitter. Criteria: Ambry Variant Classification Scheme 2023. Collection method: clinical testing. Allele origin: germline.
Comment: The p.A1603T variant (also known as c.4807G>A), located in coding exon 19 of the WNK2 gene, results from a G to A substitution at nucleotide position 4807. The alanine at codon 1603 is replaced by threonine, an amino acid with similar properties. This amino acid position is conserved. In addition, this alteration is predicted to be tolerated by in silico analysis. Based on the available evidence, the clinical significance of this variant remains unclear.

NM_006648.4(WNK2):c.4807G>A (p.Ala1603Thr)

Gene: WNK2 (WNK lysine deficient protein kinase 2; plus strand). Cytogenetic location: 9q22.31.
Variant type: single nucleotide variant.
Coding change: c.4807G>A on transcript NM_006648.4 (MANE Select); coding-DNA position 4807, G replaced by A.
Protein change: p.Ala1603Thr; replaces alanine 1603 with threonine.
Molecular consequence: missense variant.
Genome position (GRCh38, 1-based): chr9:93,289,561, G>A. VCF-style: chr9-93289561-G-A. GRCh37 (hg19) VCF-style: chr9-96051843-G-A.
Other names: c.4918G>A, p.Ala1640Thr (NM_001282394.3); short protein forms A1640T, A1603T.
Identifiers: ClinVar variation 3817083 (VCV003817083.1).